The following is an entry in ClinVar:

NM_002016.2(FLG):c.5244dup (p.Glu1749fs)

Genes: CCDST (cervical cancer associated DHX9 suppressive transcript; plus strand), FLG (filaggrin; minus strand). Cytogenetic location: 1q21.3.
Variant type: Duplication.
Coding change: c.5244dup on transcript NM_002016.2 (MANE Select); coding-DNA position 5244, one base duplicated (A; older notation c.5244dupA).
Protein change: p.Glu1749fs; shifts the reading frame from glutamic acid 1749.
Molecular consequence: frameshift variant.
Genome position (GRCh38, 1-based): chr1:152,309,642, T duplicated on the plus strand (A on the coding strand, the reverse complement: FLG is on the minus strand); the first of 2 consecutive T bases (chr1:152,309,642-152,309,643); duplicating either gives the same sequence. VCF-style (leftmost placement, unchanged base first): chr1-152309641-C-CT. GRCh37 (hg19) VCF-style: chr1-152282117-C-CT.
Other names: short protein forms E1749fs.
Identifiers: ClinVar variation 5019874 (VCV005019874.2).

ClinVar aggregate classification (germline): Uncertain significance (1 of 4 stars; one submission).

Conditions:
Dermatitis, atopic, 2. Identifiers: MedGen C1853965, MONDO:0011596, OMIM 605803.
Ichthyosis vulgaris. Also called: ICHTHYOSIS SIMPLEX; Dominant ichthyosis vulgaris. Identifiers: MedGen C0079584, MONDO:0024304, OMIM 146700.

Submission:

Juno Genomics, Hangzhou Juno Genomics, Inc
Classification: Uncertain significance for Dermatitis, atopic, 2; Ichthyosis vulgaris. Review status: criteria provided, single submitter. Criteria: ACMG Guidelines, 2015. Collection method: clinical testing. Allele origin: germline.
Comment: Absent from controls (or at extremely low frequency if recessive) in Genome Aggregation Database.;Null variant in a gene where loss of function (LOF) is a known mechanism of disease.